The following is an entry in ClinVar:

ClinVar aggregate classification (germline): Conflicting classifications of pathogenicity. Review status: criteria provided, conflicting classifications (1 of 4 stars). 8 submissions from 8 submitters: Likely pathogenic (5); Uncertain significance (1). 2 of the submissions do not count toward it. Last evaluated 2026-05-13.

Conditions:
Hematuria, benign familial, 1 (BFH1). Also called: THIN MEMBRANE NEPHROPATHY. Identifiers: MedGen CN376803, MONDO:0007709, OMIM 141200.
Alport syndrome. Also called: Hemorrhagic familial nephritis; Hemorrhagic hereditary nephritis; Congenital hereditary hematuria. Identifiers: Orphanet 63, MedGen C1567741, MONDO:0018965.
Autosomal recessive Alport syndrome (ATS2). Also called: COL4A4 Alport Syndrome and Thin Basement Membrane Nephropathy; ALPORT SYNDROME 2, AUTOSOMAL RECESSIVE; Alport syndrome type 2; COL4A3-Related Nephropathy. Identifiers: Orphanet 63, Orphanet 88919, MedGen C4746745, MONDO:0008762, OMIM 203780.

Allele frequency attached by ClinVar (database versions not stated): gnomAD exomes below 0.00001; gnomAD 0.00001; TOPMed 0.00001.
gnomAD v4.1: 11 of 1,613,928 alleles (0.00068%); highest among the groups gnomAD compares: Non-Finnish European, 0.00093%; no homozygotes.

Submissions (8):

Centre de Génétique Humaine, Institut de Pathologie Et de Génétique
Classification: Likely pathogenic for Hematuria, benign familial, 1. Last evaluated: 2026-05-13. Review status: criteria provided, single submitter. Criteria: ACMG Guidelines, 2015. Collection method: clinical testing. Allele origin: maternal, germline. Inheritance: Autosomal dominant inheritance. Affected: yes. Observed: 2 variant alleles, 2 heterozygotes. Clinical features observed: Microscopic hematuria (HP:0002907), Multiple renal cysts (HP:0005562). Segregation with disease observed.
Comment: This missense variant involves a highly conserved glycine located in a ‘Gly-X-Y’ motif in collagenous region, which is characteristic of the pathogenic variants identified in the COL4A4 gene (PM1,PP2). This variant is rare: allelic frequency of 0.00068% in gnomAD v4.1.0 database (PM2). Another missense variant affecting the same residue described as LP: c.3734G>A, p.Gly1245Asp, PMID: 36938085 and PMID: 39810285 (PM5). In silico analysis supports that this missense variant has a deleterious effect (PP3). Described as LP (PP5)

Labcorp Genetics (formerly Invitae), Labcorp
Classification: Likely pathogenic. Last evaluated: 2026-01-19. Review status: criteria provided, single submitter. Criteria: Invitae Variant Classification Sherloc (09022015). Collection method: clinical testing. Allele origin: germline.
Comment: This sequence change replaces glycine, which is neutral and non-polar, with valine, which is neutral and non-polar, at codon 1245 of the COL4A4 protein (p.Gly1245Val). This variant is present in population databases (no rsID available, gnomAD 0.0009%). This missense change has been observed in individuals with Alport syndrome (PMID: 30586318; internal data). ClinVar contains an entry for this variant (Variation ID: 447188). Invitae Evidence Modeling of protein sequence and biophysical properties (such as structural, functional, and spatial information, amino acid conservation, physicochemical variation, residue mobility, and thermodynamic stability) indicates that this missense variant is expected to disrupt COL4A4 protein function with a positive predictive value of 95%. In summary, the currently available evidence indicates that the variant is pathogenic, but additional data are needed to prove that conclusively. Therefore, this variant has been classified as Likely Pathogenic.

Department of Clinical Genetics, Medical University of Lodz
Classification: Likely pathogenic for Hematuria, benign familial, 1. Last evaluated: 2025-01-16. Review status: criteria provided, single submitter. Criteria: ACMG Guidelines, 2015. Collection method: clinical testing. Allele origin: germline. Inheritance: Autosomal dominant inheritance. Affected: yes. Observed: 3 variant alleles. Clinical features observed: Hematuria (0000790).

Natera, Inc.
Classification: Likely pathogenic for Alport syndrome. Last evaluated: 2024-12-27. Review status: criteria provided, single submitter. Criteria: Natera Variant Classification Schema (03/2026). Collection method: clinical testing. Allele origin: germline.
Comment: The c.3734G>T variant in COL4A4 is a missense variant predicted to cause substitution of glycine to valine at amino acid 1245. This variant is rare in the general population with a frequency below the threshold expected for the associated phenotype(s). This variant has been observed in one or more individuals affected with the associated recessive disease, as either homozygous or compound heterozygous with a second variant (PMID: 30586318). This variant is located in a functionally critical region of the protein. Computational prediction algorithms indicate this variant is likely to affect gene or protein function. Given the available evidence, this variant is classified as Likely Pathogenic.

Blueprint Genetics
Classification: Uncertain significance. Last evaluated: 2024-09-30. Review status: criteria provided, single submitter. Criteria: ACMG Guidelines, 2015. Collection method: clinical testing. Allele origin: germline.

Athena Diagnostics
Classification: Likely pathogenic. Last evaluated: 2017-07-10. Review status: criteria provided, single submitter. Criteria: Athena Diagnostics Criteria. Collection method: clinical testing. Allele origin: germline.

Counsyl
Classification: Uncertain significance for Autosomal recessive Alport syndrome. Last evaluated: 2019-06-09. Review status: no assertion criteria provided. Collection method: clinical testing. Allele origin: unknown. Not counted in ClinVar's aggregate classification.

Gharavi Laboratory, Columbia University
Classification: Likely pathogenic. Last evaluated: 2018-09-16. Review status: no assertion criteria provided. Criteria: ACMG Guidelines, 2015. Collection method: research. Allele origin: germline. Affected: yes. Not counted in ClinVar's aggregate classification.

Literature cited by the submitters: PubMed 30586318 (cited by 3 submitters); DOI 10.1038/gim.2015.30 (cited by Department of Clinical Genetics, Medical University of Lodz).

NM_000092.5(COL4A4):c.3734G>T (p.Gly1245Val)

Gene: COL4A4 (collagen type IV alpha 4 chain; minus strand). Cytogenetic location: 2q36.3.
Variant type: single nucleotide variant.
Coding change: c.3734G>T on transcript NM_000092.5 (MANE Select); coding-DNA position 3734, G replaced by T.
Protein change: p.Gly1245Val; replaces glycine 1245 with valine.
Molecular consequence: missense variant.
Genome position (GRCh38, 1-based): chr2:227,032,028, C>A on the plus strand (G>T on the coding strand, the complement: COL4A4 is on the minus strand). VCF-style: chr2-227032028-C-A. GRCh37 (hg19) VCF-style: chr2-227896744-C-A.
Other names: p.(Gly1245Val); short protein forms G1245V.
Identifiers: ClinVar variation 447188 (VCV000447188.8), dbSNP rs1189502123, ClinGen allele CA350837654.